The following is an entry in ClinVar:

NM_001003699.4(RREB1):c.1287G>A (p.Ala429=)

Gene: RREB1 (ras responsive element binding protein 1; plus strand). Cytogenetic location: 6p24.3.
Variant type: single nucleotide variant.
Coding change: c.1287G>A on transcript NM_001003699.4 (MANE Select); coding-DNA position 1287, G replaced by A.
Protein change: p.Ala429=; no amino-acid change (alanine 429 retained).
Molecular consequence: synonymous variant.
Genome position (GRCh38, 1-based): chr6:7,229,386, G>A. VCF-style: chr6-7229386-G-A. GRCh37 (hg19) VCF-style: chr6-7229619-G-A.
Other names: c.1287G>A, p.Ala429= (NM_001003698.4, NM_001003700.2, NM_001168344.2).
Identifiers: ClinVar variation 3059500 (VCV003059500.3), dbSNP rs12192672, ClinGen allele CA3625505.

ClinVar aggregate classification (germline): Benign. Review status: criteria provided, single submitter (1 of 4 stars). 2 submissions from 2 submitters: Benign (1). 1 of the submissions does not count toward it. Last evaluated 2026-05-08.

Conditions:
RREB1-related disorder. Also called: RREB1-related condition.

Allele frequency attached by ClinVar (database versions not stated): ESP Exome Variant Server 0.29071; 1000 Genomes Project 30x 0.20472; 1000 Genomes Project 0.20347; TOPMed 0.26397.
gnomAD v4.1: 438,264 of 1,613,714 alleles (27%); highest among the groups gnomAD compares: African/African-American, 31%; 63,714 homozygotes.

Submissions (2):

Women's Health and Genetics/Laboratory Corporation of America, LabCorp
Classification: Benign. Last evaluated: 2026-05-08. Review status: criteria provided, single submitter. Criteria: LabCorp Variant Classification Summary - May 2015. Collection method: clinical testing. Allele origin: germline.

PreventionGenetics, part of Exact Sciences
Classification: Benign for RREB1-related condition. Last evaluated: 2024-05-01. Review status: no assertion criteria provided. Collection method: clinical testing. Allele origin: germline. Not counted in ClinVar's aggregate classification.
Comment: This variant is classified as benign based on ACMG/AMP sequence variant interpretation guidelines (Richards et al. 2015 PMID: 25741868, with internal and published modifications).